The following is an entry in ClinVar:

ClinVar aggregate classification (germline): Pathogenic/Likely pathogenic. Review status: criteria provided, multiple submitters, no conflicts (2 of 4 stars). 2 submissions from 2 submitters: Pathogenic (1); Likely pathogenic (1). Last evaluated 2024-05-01.

Conditions:
Pontocerebellar hypoplasia type 1A (PCH1A). Also called: PONTOCEREBELLAR HYPOPLASIA WITH ANTERIOR HORN CELL DISEASE; PONTOCEREBELLAR HYPOPLASIA WITH INFANTILE SPINAL MUSCULAR ATROPHY. Identifiers: Orphanet 2254, Orphanet 88616, MedGen C1843504, MONDO:0011866, OMIM 607596.
Neuronopathy, distal hereditary motor, autosomal recessive 10 (HMNR10). Also called: NEUROPATHY, DISTAL HEREDITARY MOTOR, AUTOSOMAL RECESSIVE 10; VRK1-RELATED MOTOR NEURON DISEASE. Identifiers: MedGen C5882703, MONDO:0957876, OMIM 620542.

Submissions (2):

Fulgent Genetics
Classification: Likely pathogenic for Pontocerebellar hypoplasia type 1A; Neuronopathy, distal hereditary motor, autosomal recessive 10. Last evaluated: 2024-05-01. Review status: criteria provided, single submitter. Criteria: ACMG Guidelines, 2015. Collection method: clinical testing. Allele origin: germline.

Labcorp Genetics (formerly Invitae), Labcorp
Classification: Pathogenic for Pontocerebellar hypoplasia type 1A. Last evaluated: 2022-09-14. Review status: criteria provided, single submitter. Criteria: Invitae Variant Classification Sherloc (09022015). Collection method: clinical testing. Allele origin: germline.
Comment: For these reasons, this variant has been classified as Pathogenic. This variant disrupts a region of the VRK1 protein in which other variant(s) (p.Arg387His) have been determined to be pathogenic (PMID: 31837156; Invitae). This suggests that this is a clinically significant region of the protein, and that variants that disrupt it are likely to be disease-causing. This variant has not been reported in the literature in individuals affected with VRK1-related conditions. This variant is present in population databases (no rsID available, gnomAD 0.007%). This sequence change results in a frameshift in the VRK1 gene (p.Glu361Leufs*65). While this is not anticipated to result in nonsense mediated decay, it is expected to disrupt the last 36 amino acid(s) of the VRK1 protein and extend the protein by 28 additional amino acid residues.

Literature cited by the submitters: PubMed 31837156 (cited by Labcorp Genetics (formerly Invitae), Labcorp).

NM_003384.3(VRK1):c.1081_1084del (p.Glu361fs)

Gene: VRK1 (VRK serine/threonine kinase 1; plus strand). Cytogenetic location: 14q32.2.
Variant type: Microsatellite.
Coding change: c.1081_1084del on transcript NM_003384.3 (MANE Select); coding-DNA positions 1081 to 1084, 4 bases deleted (GAAA; older notation c.1081_1084delGAAA).
Protein change: p.Glu361fs; shifts the reading frame from glutamic acid 361.
Molecular consequence: frameshift variant.
Genome position (GRCh38, 1-based): chr14:96,876,042-96,876,045, GAAA deleted; deleting any 4 consecutive bases within chr14:96,876,034-96,876,045 gives the same sequence; the c. name uses the placement nearest the transcript's 3' end. VCF-style (leftmost placement, unchanged base first): chr14-96876033-CGAAA-C. GRCh37 (hg19) VCF-style: chr14-97342370-CGAAA-C.
Other names: c.1073_1076GAAA[2], p.Glu361Leufs (NM_001411051.1); c.1070_1073GAAA[2], p.Glu360Leufs (NM_001411053.1); short protein forms E361fs.
Identifiers: ClinVar variation 2164156 (VCV002164156.6), dbSNP rs1566721633, ClinGen allele CA615895504.
Genomic context (GRCh38, chr14:96,876,033, plus strand): 5'-TTGTAGTTTACTTGACTGTCAGATATCTCTCTCTCTCTCTTTAATTTTATATGTAAGAAG[CGAAA>C]GAAAGAAATTGAAGAAAGCAAGGAACCTGGTGTTGAAGATACGGAATGGTCAAACACACA-3'